The following is an entry in ClinVar:

ClinVar aggregate classification (germline): Uncertain significance. Review status: criteria provided, multiple submitters, no conflicts (2 of 4 stars). 3 submissions from 3 submitters: Uncertain significance (3). Last evaluated 2025-10-15.

Conditions:
Hypersulfaturia (HYSULF). Identifiers: MedGen C5830511, MONDO:0957268, OMIM 620372.
Nephrolithiasis susceptibility caused by SLC26A1 (CAON1). Also called: NEPHROLITHIASIS, CALCIUM OXALATE, 1. Identifiers: MedGen C5779632, MONDO:0020722, OMIM 167030.

Allele frequency attached by ClinVar (database versions not stated): TOPMed 0.00004; gnomAD 0.00009; gnomAD exomes 0.00012; ExAC 0.00025.

Submissions (3):

Labcorp Genetics (formerly Invitae), Labcorp
Classification: Uncertain significance. Last evaluated: 2025-10-15. Review status: criteria provided, single submitter. Criteria: Invitae Variant Classification Sherloc (09022015). Collection method: clinical testing. Allele origin: germline.
Comment: This sequence change replaces glutamine, which is neutral and polar, with glutamic acid, which is acidic and polar, at codon 589 of the SLC26A1 protein (p.Gln589Glu). This variant is present in population databases (rs200798328, gnomAD 0.08%), and has an allele count higher than expected for a pathogenic variant. This variant has not been reported in the literature in individuals affected with SLC26A1-related conditions. ClinVar contains an entry for this variant (Variation ID: 3020774). An algorithm developed to predict the effect of missense changes on protein structure and function outputs the following: PolyPhen-2: "Benign". The glutamic acid amino acid residue is found in multiple mammalian species, which suggests that this missense change does not adversely affect protein function. In summary, the available evidence is currently insufficient to determine the role of this variant in disease. Therefore, it has been classified as a Variant of Uncertain Significance.

Fulgent Genetics
Classification: Uncertain significance for Nephrolithiasis susceptibility caused by SLC26A1; Hypersulfaturia. Last evaluated: 2024-02-28. Review status: criteria provided, single submitter. Criteria: ACMG Guidelines, 2015. Collection method: clinical testing. Allele origin: germline.

Neuberg Centre For Genomic Medicine, NCGM
Classification: Uncertain significance for Nephrolithiasis susceptibility caused by SLC26A1. Last evaluated: 2023-05-20. Review status: criteria provided, single submitter. Criteria: ACMG Guidelines, 2015. Collection method: clinical testing. Allele origin: germline. Inheritance: Autosomal recessive inheritance. Affected: yes.
Comment: The observed missense variant c.1765C>G(p.Gln589Glu) in SLC26A1 gene has not been reported previously as a pathogenic variant nor as a benign variant, to our knowledge. The c.1765C>G variant has 0.02% allele frequency in gnomAD Exomes. The amino acid Glutamine at position 589 is changed to a Glutamic acid changing protein sequence and it might alter its composition and physico-chemical properties. Multiple lines of computational evidence (Polyphen-Benign, SIFT- Tolerated and Mutation Taster-polymorphism) predict no damaging effect on protein structure and function for this variant. For these reasons, this variant has been classified as Uncertain Significance.

NM_022042.4(SLC26A1):c.1765C>G (p.Gln589Glu)

Genes: IDUA (alpha-L-iduronidase; plus strand), SLC26A1 (solute carrier family 26 member 1; minus strand). Cytogenetic location: 4p16.3.
Variant type: single nucleotide variant.
Coding change: c.1765C>G on transcript NM_022042.4 (MANE Select); coding-DNA position 1765, C replaced by G.
Protein change: p.Gln589Glu; replaces glutamine 589 with glutamic acid.
Molecular consequence: missense variant. On other transcripts: intron variant (2).
Genome position (GRCh38, 1-based): chr4:989,174, G>C on the plus strand (C>G on the coding strand, the complement: SLC26A1 is on the minus strand). VCF-style: chr4-989174-G-C. GRCh37 (hg19) VCF-style: chr4-982962-G-C.
Other names: c.1765C>G, p.Gln589Glu (NM_213613.4); c.576+1954C>G (NM_134425.4); c.299+1225G>C (NM_000203.5); short protein forms Q589E.
Identifiers: ClinVar variation 3020774 (VCV003020774.6), dbSNP rs200798328, ClinGen allele CA2801281.
Genomic context (GRCh38, chr4:989,174, plus strand): 5'-AGCCGGCCGCTGCGGGCACCAGCGCAGCCCTGGTGCTAACCGGGCCCAGGTCCTCGCCCT[G>C]GGCAGGGCCTCCCTCACCGACCCCCGTCTCTGAGCCCCCCTCCTTCCTCCTGGCAGCCAT-3'
Protein context (NP_071325.2, residues 579-599): ETGVGEGGPA[Gln589Glu]GEDLGPVSTR